The following is an entry in ClinVar:

NM_181078.3(IL21R):c.531A>G (p.Ser177=)

Gene: IL21R (interleukin 21 receptor; plus strand). Cytogenetic location: 16p12.1.
Variant type: single nucleotide variant.
Coding change: c.531A>G on transcript NM_181078.3 (MANE Select); coding-DNA position 531, A replaced by G.
Protein change: p.Ser177=; no amino-acid change (serine 177 retained).
Molecular consequence: synonymous variant.
Genome position (GRCh38, 1-based): chr16:27,444,565, A>G. VCF-style: chr16-27444565-A-G. GRCh37 (hg19) VCF-style: chr16-27455886-A-G.
Other names: p.Ser177=; c.531A>G, p.Ser177= (NM_021798.4); c.597A>G, p.Ser199= (NM_181079.5).
Identifiers: ClinVar variation 473944 (VCV000473944.24), dbSNP rs3093369, ClinGen allele CA7975006.

ClinVar aggregate classification (germline): Benign. Review status: criteria provided, multiple submitters, no conflicts (2 of 4 stars). 5 submissions from 5 submitters: Benign (5). Last evaluated 2026-02-01.

Conditions:
Cryptosporidiosis-chronic cholangitis-liver disease syndrome. Also called: IL21R immunodeficiency; Immunodeficiency type 56. Identifiers: Orphanet 357329, MedGen C3554687, MONDO:0014082, OMIM 615207.

Allele frequency attached by ClinVar (database versions not stated): gnomAD exomes 0.00110 and 0.00297; ExAC 0.00396; gnomAD 0.01088 and 0.01155; TOPMed 0.01263; 1000 Genomes Project 0.01278; ESP Exome Variant Server 0.01278; 1000 Genomes Project 30x 0.01312.
gnomAD v4.1: 3,283 of 1,538,416 alleles (0.21%); highest among the groups gnomAD compares: African/African-American, 3.8%; 79 homozygotes.

Submissions (5):

Labcorp Genetics (formerly Invitae), Labcorp
Classification: Benign for Cryptosporidiosis-chronic cholangitis-liver disease syndrome. Last evaluated: 2026-02-01. Review status: criteria provided, single submitter. Criteria: Invitae Variant Classification Sherloc (09022015). Collection method: clinical testing. Allele origin: germline.

Women's Health and Genetics/Laboratory Corporation of America, LabCorp
Classification: Benign. Last evaluated: 2026-01-22. Review status: criteria provided, single submitter. Criteria: LabCorp Variant Classification Summary - May 2015. Collection method: clinical testing. Allele origin: germline.

Mayo Clinic Laboratories, Mayo Clinic
Classification: Benign. Last evaluated: 2025-07-29. Review status: criteria provided, single submitter. Criteria: ACMG Guidelines, 2015. Collection method: clinical testing. Allele origin: germline. Observed: 6 variant alleles.
Comment: BS1, BS2, BP4, BP7

ARUP Laboratories, Molecular Genetics and Genomics, ARUP Laboratories
Classification: Benign. Last evaluated: 2023-11-06. Review status: criteria provided, single submitter. Criteria: ARUP Molecular Germline Variant Investigation Process 2024. Collection method: clinical testing. Allele origin: germline.

Breakthrough Genomics
Classification: Benign. Review status: criteria provided, single submitter. Criteria: ACMG Guidelines, 2015. Collection method: not provided. Allele origin: germline. Inheritance: Autosomal recessive inheritance. Affected: yes.